The following is an entry in ClinVar:

ClinVar aggregate classification (germline): Conflicting classifications of pathogenicity. Review status: criteria provided, conflicting classifications (1 of 4 stars). 3 submissions from 3 submitters: Uncertain significance (2); Likely benign (1). Last evaluated 2025-09-18.

Conditions:
Hereditary cancer-predisposing syndrome. Also called: Tumor predisposition; Hereditary neoplastic syndrome; Neoplastic Syndromes, Hereditary; Hereditary Cancer Syndrome. Identifiers: Orphanet 140162, MedGen C0027672, MeSH D009386, MONDO:0015356.
Hereditary diffuse gastric adenocarcinoma (HDGC). Also called: DIFFUSE GASTRIC AND LOBULAR BREAST CANCER SYNDROME. Identifiers: Orphanet 26106, MedGen C1708349, MONDO:0007648, OMIM 137215.

gnomAD v4.1: 2 of 1,613,596 alleles (0.00012%); highest among the groups gnomAD compares: Admixed American, 0.0017%; no homozygotes.

Submissions (3):

Ambry Genetics
Classification: Likely benign for Hereditary cancer-predisposing syndrome. Last evaluated: 2025-09-18. Review status: criteria provided, single submitter. Criteria: Ambry Variant Classification Scheme 2023. Collection method: clinical testing. Allele origin: germline.

Labcorp Genetics (formerly Invitae), Labcorp
Classification: Uncertain significance for Hereditary diffuse gastric adenocarcinoma. Last evaluated: 2022-11-23. Review status: criteria provided, single submitter. Criteria: Invitae Variant Classification Sherloc (09022015). Collection method: clinical testing. Allele origin: germline.
Comment: This sequence change replaces proline, which is neutral and non-polar, with arginine, which is basic and polar, at codon 126 of the CDH1 protein (p.Pro126Arg). In summary, the available evidence is currently insufficient to determine the role of this variant in disease. Therefore, it has been classified as a Variant of Uncertain Significance. Algorithms developed to predict the effect of missense changes on protein structure and function output the following: SIFT: "Tolerated"; PolyPhen-2: "Benign"; Align-GVGD: "Class C0". The arginine amino acid residue is found in multiple mammalian species, which suggests that this missense change does not adversely affect protein function. ClinVar contains an entry for this variant (Variation ID: 496231). This variant has not been reported in the literature in individuals affected with CDH1-related conditions. This variant is present in population databases (rs746703615, gnomAD 0.003%).

Women's Health and Genetics/Laboratory Corporation of America, LabCorp
Classification: Uncertain significance. Last evaluated: 2016-07-01. Review status: criteria provided, single submitter. Criteria: LabCorp Variant Classification Summary - May 2015. Collection method: clinical testing. Allele origin: germline.
Comment: Variant summary: The CDH1 c.377C>G (p.Pro126Arg) variant involves the alteration of a non-conserved nucleotide. 2/4 in silico tools predict a benign outcome. This variant was found in 1/120398 control chromosomes, which is not high enough to rule out the pathogenicity. In addition, one clinical diagnostic laboratory classified this variant as VUS, without evidence to independently evaluate. The variant of interest has not, to our knowledge, been reported in affected individuals via publication; nor evaluated for functional impact by in vivo/vitro studies. Taken together, this variant is classified as VUS until more information becomes available.

NM_004360.5(CDH1):c.377C>G (p.Pro126Arg)

Gene: CDH1 (cadherin 1; plus strand). Cytogenetic location: 16q22.1.
Variant type: single nucleotide variant.
Coding change: c.377C>G on transcript NM_004360.5 (MANE Select); coding-DNA position 377, C replaced by G.
Protein change: p.Pro126Arg; replaces proline 126 with arginine.
Molecular consequence: missense variant. On other transcripts: 5 prime UTR variant (2).
Genome position (GRCh38, 1-based): chr16:68,801,883, C>G. VCF-style: chr16-68801883-C-G. GRCh37 (hg19) VCF-style: chr16-68835786-C-G.
Other names: c.377C>G (LRG_301t1); c.377C>G, p.Pro126Arg (NM_001317184.2); c.-1239C>G (NM_001317185.2); c.-1443C>G (NM_001317186.2); short protein forms P126R.
Identifiers: ClinVar variation 496231 (VCV000496231.10), dbSNP rs746703615, ClinGen allele CA8129838.